The following is an entry in ClinVar:

NM_001370658.1(BTD):c.76G>T (p.Glu26Ter)

Gene: BTD (biotinidase; plus strand). Cytogenetic location: 3p25.1.
Variant type: single nucleotide variant.
Coding change: c.76G>T on transcript NM_001370658.1 (MANE Select); coding-DNA position 76, G replaced by T.
Protein change: p.Glu26Ter; replaces glutamic acid 26 with a stop codon.
Molecular consequence: nonsense.
Genome position (GRCh38, 1-based): chr3:15,635,515, G>T. VCF-style: chr3-15635515-G-T. GRCh37 (hg19) VCF-style: chr3-15677022-G-T.
Other names: c.136G>T, p.Glu46Ter (NM_000060.4); c.76G>T, p.Glu26Ter (NM_001281723.4, NM_001281724.3, NM_001281725.3 and 37 more transcripts); short protein forms E26*.
Identifiers: ClinVar variation 2680359 (VCV002680359.3), dbSNP rs397514336, ClinGen allele CA278146.

ClinVar aggregate classification (germline): Pathogenic. Review status: criteria provided, multiple submitters, no conflicts (2 of 4 stars). 2 submissions from 2 submitters: Pathogenic (2). Last evaluated 2024-08-05.

Conditions:
Biotinidase deficiency. Also called: BTD deficiency; Late-onset biotin-responsive multiple carboxylase deficiency; Biotin deficiency. Identifiers: Orphanet 79241, MedGen C0220754, MONDO:0009665, OMIM 253260.

Submissions (2):

Labcorp Genetics (formerly Invitae), Labcorp
Classification: Pathogenic for Biotinidase deficiency. Last evaluated: 2024-08-05. Review status: criteria provided, single submitter. Criteria: Invitae Variant Classification Sherloc (09022015). Collection method: clinical testing. Allele origin: germline.
Comment: This sequence change creates a premature translational stop signal (p.Glu46*) in the BTD gene. It is expected to result in an absent or disrupted protein product. Loss-of-function variants in BTD are known to be pathogenic (PMID: 20083419). This variant is not present in population databases (gnomAD no frequency). This premature translational stop signal has been observed in individual(s) with biotinidase deficiency (PMID: 17185019). For these reasons, this variant has been classified as Pathogenic.

Baylor Genetics
Classification: Pathogenic for Biotinidase deficiency. Last evaluated: 2023-04-09. Review status: criteria provided, single submitter. Criteria: ACMG Guidelines, 2015. Collection method: clinical testing. Allele origin: unknown.

Literature cited by the submitters: PubMed 20083419 (cited by Labcorp Genetics (formerly Invitae), Labcorp); PubMed 17185019 (cited by Labcorp Genetics (formerly Invitae), Labcorp).